The following is an entry in ClinVar:

ClinVar aggregate classification (germline): Uncertain significance. Review status: criteria provided, multiple submitters, no conflicts (2 of 4 stars). 2 submissions from 2 submitters: Uncertain significance (2). Last evaluated 2025-12-20.

Conditions:
Hereditary cancer-predisposing syndrome. Also called: Hereditary Cancer Syndrome; Tumor predisposition; Neoplastic Syndromes, Hereditary; Hereditary neoplastic syndrome. Identifiers: Orphanet 140162, MedGen C0027672, MeSH D009386, MONDO:0015356.
Neuroblastoma, susceptibility to, 3. Also called: ALK-Related Neuroblastic Tumor Susceptibility. Identifiers: Orphanet 635, MedGen C2751681, MONDO:0013083, OMIM 613014.

Allele frequency attached by ClinVar (database versions not stated): TOPMed below 0.00001; gnomAD 0.00001.
gnomAD v4.1: 2 of 1,569,268 alleles (0.00013%); highest among the groups gnomAD compares: African/African-American, 0.0014%; no homozygotes.

Submissions (2):

Labcorp Genetics (formerly Invitae), Labcorp
Classification: Uncertain significance for Neuroblastoma, susceptibility to, 3. Last evaluated: 2025-12-20. Review status: criteria provided, single submitter. Criteria: Invitae Variant Classification Sherloc (09022015). Collection method: clinical testing. Allele origin: germline.
Comment: This sequence change replaces methionine, which is neutral and non-polar, with valine, which is neutral and non-polar, at codon 23 of the ALK protein (p.Met23Val). This variant is not present in population databases (gnomAD no frequency). This variant has not been reported in the literature in individuals affected with ALK-related conditions. ClinVar contains an entry for this variant (Variation ID: 3223923). An algorithm developed to predict the effect of missense changes on protein structure and function (PolyPhen-2) suggests that this variant is likely to be tolerated. In summary, the available evidence is currently insufficient to determine the role of this variant in disease. Therefore, it has been classified as a Variant of Uncertain Significance.

Ambry Genetics
Classification: Uncertain significance for Hereditary cancer-predisposing syndrome. Last evaluated: 2023-12-29. Review status: criteria provided, single submitter. Criteria: Ambry Variant Classification Scheme 2023. Collection method: clinical testing. Allele origin: germline.
Comment: The p.M23V variant (also known as c.67A>G), located in coding exon 1 of the ALK gene, results from an A to G substitution at nucleotide position 67. The methionine at codon 23 is replaced by valine, an amino acid with highly similar properties. This amino acid position is conserved. In addition, this alteration is predicted to be tolerated by in silico analysis. Since supporting evidence is limited at this time, the clinical significance of this alteration remains unclear.

NM_004304.5(ALK):c.67A>G (p.Met23Val)

Gene: ALK (ALK receptor tyrosine kinase; minus strand). Cytogenetic location: 2p23.1.
Variant type: single nucleotide variant.
Coding change: c.67A>G on transcript NM_004304.5 (MANE Select); coding-DNA position 67, A replaced by G.
Protein change: p.Met23Val; replaces methionine 23 with valine.
Molecular consequence: missense variant.
Genome position (GRCh38, 1-based): chr2:29,920,593, T>C on the plus strand (A>G on the coding strand, the complement: ALK is on the minus strand). VCF-style: chr2-29920593-T-C. GRCh37 (hg19) VCF-style: chr2-30143459-T-C.
Other names: short protein forms M23V.
Identifiers: ClinVar variation 3223923 (VCV003223923.3), dbSNP rs987433112, ClinGen allele CA45004788.